The following is an entry in ClinVar:

NM_000551.4(VHL):c.190C>A (p.Arg64Ser)

Gene: VHL (von Hippel-Lindau tumor suppressor; plus strand). Cytogenetic location: 3p25.3.
Variant type: single nucleotide variant.
Coding change: c.190C>A on transcript NM_000551.4 (MANE Select); coding-DNA position 190, C replaced by A.
Protein change: p.Arg64Ser; replaces arginine 64 with serine.
Molecular consequence: missense variant.
Genome position (GRCh38, 1-based): chr3:10,142,037, C>A. VCF-style: chr3-10142037-C-A. GRCh37 (hg19) VCF-style: chr3-10183721-C-A.
Other names: c.190C>A, p.Arg64Ser (NM_001354723.2, NM_198156.3); c.190C>A (NM_000551.3); short protein forms R64S.
Identifiers: ClinVar variation 1023005 (VCV001023005.10), dbSNP rs1487408934, ClinGen allele CA351748769.
Genomic context (GRCh38, chr3:10,142,037, plus strand): 5'-GGCCCGGAGGAACTGGGCGCCGAGGAGGAGATGGAGGCCGGGCGGCCGCGGCCCGTGCTG[C>A]GCTCGGTGAACTCGCGCGAGCCCTCCCAGGTCATCTTCTGCAATCGCAGTCCGCGCGTCG-3'
Protein context (NP_000542.1, residues 54-74): MEAGRPRPVL[Arg64Ser]SVNSREPSQV

ClinVar aggregate classification (germline): Conflicting classifications of pathogenicity. Review status: criteria provided, conflicting classifications (1 of 4 stars). 2 submissions from 2 submitters: Likely pathogenic (1); Uncertain significance (1). Last evaluated 2026-06-22.

Conditions:
Hereditary cancer-predisposing syndrome. Also called: Tumor predisposition; Hereditary Cancer Syndrome; Hereditary neoplastic syndrome; Neoplastic Syndromes, Hereditary. Identifiers: Orphanet 140162, MedGen C0027672, MeSH D009386, MONDO:0015356.
Chuvash polycythemia. Also called: POLYCYTHEMIA, VHL-DEPENDENT. Identifiers: Orphanet 238557, MedGen C1837915, MONDO:0009892, OMIM 263400.
Von Hippel-Lindau syndrome (VHLS). Also called: von Hippel–Lindau syndrome; VHL syndrome; Von Hippel-Lindau. Identifiers: Orphanet 892, MedGen C0019562, MONDO:0008667, OMIM 193300. Disease mechanism: loss of function.

Submissions (2):

Ambry Genetics
Classification: Uncertain significance for Hereditary cancer-predisposing syndrome. Last evaluated: 2026-06-22. Review status: criteria provided, single submitter. Criteria: Ambry Variant Classification Scheme 2023. Collection method: clinical testing. Allele origin: germline.
Comment: The p.R64S variant (also known as c.190C>A), located in coding exon 1 of the VHL gene, results from a C to A substitution at nucleotide position 190. The arginine at codon 64 is replaced by serine, an amino acid with dissimilar properties. This variant was determined to be functionally neutral in one saturation genome editing assay (Buckley M et al. Nat Genet, 2024 Jul;56:1446-1455). This amino acid position is highly conserved in available vertebrate species. In addition, this alteration is predicted to be deleterious by in silico analysis. Based on the available evidence, the clinical significance of this variant remains unclear.

Labcorp Genetics (formerly Invitae), Labcorp
Classification: Likely pathogenic for Von Hippel-Lindau syndrome; Chuvash polycythemia. Last evaluated: 2024-02-04. Review status: criteria provided, single submitter. Criteria: Invitae Variant Classification Sherloc (09022015). Collection method: clinical testing. Allele origin: germline.
Comment: This sequence change replaces arginine, which is basic and polar, with serine, which is neutral and polar, at codon 64 of the VHL protein (p.Arg64Ser). This variant is not present in population databases (gnomAD no frequency). This variant has not been reported in the literature in individuals affected with VHL-related conditions. ClinVar contains an entry for this variant (Variation ID: 1023005). Advanced modeling of protein sequence and biophysical properties (such as structural, functional, and spatial information, amino acid conservation, physicochemical variation, residue mobility, and thermodynamic stability) performed at Invitae indicates that this missense variant is expected to disrupt VHL protein function with a positive predictive value of 95%. This variant disrupts the p.Arg64 amino acid residue in VHL. Other variant(s) that disrupt this residue have been determined to be pathogenic (PMID: 9663592, 11331612, 19336503, 24555745). This suggests that this residue is clinically significant, and that variants that disrupt this residue are likely to be disease-causing. In summary, the currently available evidence indicates that the variant is pathogenic, but additional data are needed to prove that conclusively. Therefore, this variant has been classified as Likely Pathogenic.

Literature cited by the submitters: PubMed 38969834 (cited by Ambry Genetics); PubMed 9663592 (cited by Labcorp Genetics (formerly Invitae), Labcorp); PubMed 11331612 (cited by Labcorp Genetics (formerly Invitae), Labcorp); PubMed 19336503 (cited by Labcorp Genetics (formerly Invitae), Labcorp); PubMed 24555745 (cited by Labcorp Genetics (formerly Invitae), Labcorp).